The following is an entry in ClinVar:

NM_000257.4(MYH7):c.839A>G (p.Glu280Gly)

Gene: MYH7 (myosin heavy chain 7; minus strand). Cytogenetic location: 14q11.2.
Variant type: single nucleotide variant.
Coding change: c.839A>G on transcript NM_000257.4 (MANE Select); coding-DNA position 839, A replaced by G.
Protein change: p.Glu280Gly; replaces glutamic acid 280 with glycine.
Molecular consequence: missense variant.
Genome position (GRCh38, 1-based): chr14:23,430,957, T>C on the plus strand (A>G on the coding strand, the complement: MYH7 is on the minus strand). VCF-style: chr14-23430957-T-C. GRCh37 (hg19) VCF-style: chr14-23900166-T-C.
Other names: c.839A>G, p.Glu280Gly (NM_001407004.1); short protein forms E280G.
Identifiers: ClinVar variation 2750253 (VCV002750253.5), dbSNP rs2502310184, ClinGen allele CA389051932.

ClinVar aggregate classification (germline): Uncertain significance. Review status: criteria provided, multiple submitters, no conflicts (2 of 4 stars). 2 submissions from 2 submitters: Uncertain significance (2). Last evaluated 2025-10-16.

Conditions:
Hypertrophic cardiomyopathy. Also called: HYPERTROPHIC MYOCARDIOPATHY. Identifiers: Orphanet 217569, MedGen C0007194, MeSH D002312, MONDO:0005045, HP:0001639.

Submissions (2):

Dasa
Classification: Uncertain significance. Last evaluated: 2025-10-16. Review status: criteria provided, single submitter. Criteria: DASA Assertion Criteria. Collection method: clinical testing. Allele origin: germline.
Comment: NM_000257.4(MYH7):c.839A>G (p.Glu280Gly) is a missense variant that results in the substitution of glutamic acid with glycine. The affected residue or protein region has prior evidence supporting clinical relevance. This variant is absent from population databases. Computational prediction algorithms are consistent with a deleterious effect. The currently available literature and clinical evidence are not sufficient to establish a definitive association between this variant and the reported condition. Therefore, this variant is classified as a variant of uncertain significance.

Labcorp Genetics (formerly Invitae), Labcorp
Classification: Uncertain significance for Hypertrophic cardiomyopathy. Last evaluated: 2023-06-29. Review status: criteria provided, single submitter. Criteria: Invitae Variant Classification Sherloc (09022015). Collection method: clinical testing. Allele origin: germline.
Comment: In summary, the available evidence is currently insufficient to determine the role of this variant in disease. Therefore, it has been classified as a Variant of Uncertain Significance. Advanced modeling of protein sequence and biophysical properties (such as structural, functional, and spatial information, amino acid conservation, physicochemical variation, residue mobility, and thermodynamic stability) performed at Invitae indicates that this missense variant is expected to disrupt MYH7 protein function. This variant has not been reported in the literature in individuals affected with MYH7-related conditions. This variant is not present in population databases (gnomAD no frequency). This sequence change replaces glutamic acid, which is acidic and polar, with glycine, which is neutral and non-polar, at codon 280 of the MYH7 protein (p.Glu280Gly).